The following is an entry in ClinVar:

ClinVar aggregate classification (germline): Uncertain significance. Review status: criteria provided, multiple submitters, no conflicts (2 of 4 stars). 3 submissions from 3 submitters: Uncertain significance (3). Last evaluated 2025-10-29.

Conditions:
Congenital generalized lipodystrophy type 1 (CGL1). Also called: BRUNZELL SYNDROME, AGPAT2-RELATED; Berardinelli-Seip Congenital Lipodystrophy Type 1. Identifiers: Orphanet 528, Orphanet 696189, MedGen C1720862, MONDO:0012071, OMIM 608594.
Inborn genetic diseases. Identifiers: MedGen C0950123, MeSH D030342.

Allele frequency attached by ClinVar (database versions not stated): gnomAD 0.00003; TOPMed 0.00003.
gnomAD v4.1: 10 of 1,606,002 alleles (0.00062%); highest among the groups gnomAD compares: Admixed American, 0.01%; no homozygotes.

Submissions (3):

Labcorp Genetics (formerly Invitae), Labcorp
Classification: Uncertain significance. Last evaluated: 2025-10-29. Review status: criteria provided, single submitter. Criteria: Invitae Variant Classification Sherloc (09022015). Collection method: clinical testing. Allele origin: germline.
Comment: This sequence change replaces threonine, which is neutral and polar, with isoleucine, which is neutral and non-polar, at codon 247 of the AGPAT2 protein (p.Thr247Ile). This variant is present in population databases (no rsID available, gnomAD 0.003%). This variant has not been reported in the literature in individuals affected with AGPAT2-related conditions. ClinVar contains an entry for this variant (Variation ID: 3096393). Invitae Evidence Modeling of protein sequence and biophysical properties (such as structural, functional, and spatial information, amino acid conservation, physicochemical variation, residue mobility, and thermodynamic stability) indicates that this missense variant is not expected to disrupt AGPAT2 protein function with a negative predictive value of 80%. In summary, the available evidence is currently insufficient to determine the role of this variant in disease. Therefore, it has been classified as a Variant of Uncertain Significance.

Ambry Genetics
Classification: Uncertain significance for Inborn genetic diseases. Last evaluated: 2024-01-22. Review status: criteria provided, single submitter. Criteria: Ambry Variant Classification Scheme 2023. Collection method: clinical testing. Allele origin: germline.

Fulgent Genetics
Classification: Uncertain significance for Congenital generalized lipodystrophy type 1. Last evaluated: 2024-01-08. Review status: criteria provided, single submitter. Criteria: ACMG Guidelines, 2015. Collection method: clinical testing. Allele origin: germline.

NM_006412.4(AGPAT2):c.740C>T (p.Thr247Ile)

Gene: AGPAT2 (1-acylglycerol-3-phosphate O-acyltransferase 2; minus strand). Cytogenetic location: 9q34.3.
Variant type: single nucleotide variant.
Coding change: c.740C>T on transcript NM_006412.4 (MANE Select); coding-DNA position 740, C replaced by T.
Protein change: p.Thr247Ile; replaces threonine 247 with isoleucine.
Molecular consequence: missense variant.
Genome position (GRCh38, 1-based): chr9:136,673,849, G>A on the plus strand (C>T on the coding strand, the complement: AGPAT2 is on the minus strand). VCF-style: chr9-136673849-G-A. GRCh37 (hg19) VCF-style: chr9-139568301-G-A.
Other names: c.644C>T, p.Thr215Ile (NM_001012727.2); short protein forms T215I, T247I.
Identifiers: ClinVar variation 3096393 (VCV003096393.3), dbSNP rs958545912, ClinGen allele CA201626858.